The following is an entry in ClinVar:

ClinVar aggregate classification (germline): Pathogenic (1 of 4 stars; one submission).

Conditions:
Kleefstra syndrome 2 (KLEFS2). Identifiers: MedGen C4540395, MONDO:0054701, OMIM 617768.

Submission:

Victorian Clinical Genetics Services, Murdoch Childrens Research Institute
Classification: Pathogenic for Kleefstra syndrome 2. Last evaluated: 2024-10-10. Review status: criteria provided, single submitter. Criteria: ACMG Guidelines, 2015. Collection method: clinical testing. Allele origin: germline. Inheritance: Autosomal dominant inheritance. Affected: yes.
Comment: Based on the classification scheme VCGS_Germline_v1.3.5, this variant is classified as Pathogenic. Following criteria are met: 0102 - Loss of function is a known mechanism of disease in this gene and is associated with Kleefstra syndrome 2 (MIM#617768). (I) 0107 - This gene is associated with autosomal dominant disease. (I) 0201 - Variant is predicted to cause nonsense-mediated decay (NMD) and loss of protein (premature termination codon is located at least 54 nucleotides upstream of the final exon-exon junction). (SP) 0251 - This variant is heterozygous. (I) 0301 - Variant is absent from gnomAD (v2, v3 and v4). (SP) 0701 - Other NMD-predicted variants comparable to the one identified in this case have very strong previous evidence for pathogenicity. Many NMD-predicted variants have been reported as pathogenic (ClinVar, DECIPHER). (SP) 0807 - This variant has no previous evidence of pathogenicity. (I) 0905 - No published segregation evidence has been identified for this variant. (I) 1007 - No published functional evidence has been identified for this variant. (SP) Legend: (SP) - Supporting pathogenic, (I) - Information, (SB) - Supporting benign

NM_170606.3(KMT2C):c.4123del (p.Thr1375fs)

Gene: KMT2C (lysine methyltransferase 2C; minus strand). Cytogenetic location: 7q36.1.
Variant type: Deletion.
Coding change: c.4123del on transcript NM_170606.3 (MANE Select); coding-DNA position 4123, one base deleted (A; older notation c.4123delA).
Protein change: p.Thr1375fs; shifts the reading frame from threonine 1375.
Molecular consequence: frameshift variant.
Genome position (GRCh38, 1-based): chr7:152,199,429, T deleted on the plus strand (A on the coding strand, the reverse complement: KMT2C is on the minus strand). VCF-style (leftmost placement, unchanged base first): chr7-152199428-GT-G. GRCh37 (hg19) VCF-style: chr7-151896513-GT-G.
Other names: short protein forms T1375fs.
Identifiers: ClinVar variation 3377162 (VCV003377162.1).